The following is an entry in ClinVar:

ClinVar aggregate classification (germline): Conflicting classifications of pathogenicity. Review status: criteria provided, conflicting classifications (1 of 4 stars). 2 submissions from 2 submitters: Uncertain significance (1); Likely benign (1). Last evaluated 2023-10-02.

Allele frequency attached by ClinVar (database versions not stated): gnomAD exomes 0.00001 and 0.00002; TOPMed 0.00001; ExAC 0.00002.

Submissions (2):

Labcorp Genetics (formerly Invitae), Labcorp
Classification: Uncertain significance. Last evaluated: 2023-10-02. Review status: criteria provided, single submitter. Criteria: Invitae Variant Classification Sherloc (09022015). Collection method: clinical testing. Allele origin: germline.
Comment: This sequence change replaces arginine, which is basic and polar, with histidine, which is basic and polar, at codon 245 of the APTX protein (p.Arg245His). This variant is present in population databases (rs747334007, gnomAD 0.006%). This variant has not been reported in the literature in individuals affected with APTX-related conditions. ClinVar contains an entry for this variant (Variation ID: 214121). Advanced modeling of protein sequence and biophysical properties (such as structural, functional, and spatial information, amino acid conservation, physicochemical variation, residue mobility, and thermodynamic stability) performed at Invitae indicates that this missense variant is not expected to disrupt APTX protein function. In summary, the available evidence is currently insufficient to determine the role of this variant in disease. Therefore, it has been classified as a Variant of Uncertain Significance.

GeneDx
Classification: Likely benign. Last evaluated: 2014-01-18. Review status: criteria provided, single submitter. Criteria: GeneDx Variant Classification (06012015). Collection method: clinical testing. Allele origin: germline. Affected: yes.
Comment: This variant is considered likely benign or benign based on one or more of the following criteria: it is a conservative change, it occurs at a poorly conserved position in the protein, it is predicted to be benign by multiple in silico algorithms, and/or has population frequency not consistent with disease.

NM_001195248.2(APTX):c.734G>A (p.Arg245His)

Gene: APTX (aprataxin; minus strand). Cytogenetic location: 9p21.1.
Variant type: single nucleotide variant.
Coding change: c.734G>A on transcript NM_001195248.2 (MANE Select); coding-DNA position 734, G replaced by A.
Protein change: p.Arg245His; replaces arginine 245 with histidine.
Molecular consequence: missense variant. On other transcripts: non-coding transcript variant (9).
Genome position (GRCh38, 1-based): chr9:32,984,667, C>T on the plus strand (G>A on the coding strand, the complement: APTX is on the minus strand). VCF-style: chr9-32984667-C-T. GRCh37 (hg19) VCF-style: chr9-32984665-C-T.
Other names: p.R245H:CGC>CAC; c.734G>A, p.Arg245His (NM_001195249.2, NM_001195251.2, NM_001368995.1 and 6 more transcripts); c.572G>A, p.Arg191His (NM_001195250.2, NM_001195254.2, NM_001369000.1 and 1 more transcripts); c.518G>A, p.Arg173His (NM_001195252.2); c.470G>A, p.Arg157His (NM_001369002.1, NM_001369003.1, NM_001369004.1 and 5 more transcripts); short protein forms R245H, R157H, R173H, R191H.
Identifiers: ClinVar variation 214121 (VCV000214121.4), dbSNP rs747334007, ClinGen allele CA319960.